The following is an entry in ClinVar:

NM_000497.4(CYP11B1):c.1111G>A (p.Glu371Lys)

Genes: CYP11B1 (cytochrome P450 family 11 subfamily B member 1; minus strand), LOC106799833 (CYP11B1 recombination region; plus strand). Cytogenetic location: 8q24.3.
Variant type: single nucleotide variant.
Coding change: c.1111G>A on transcript NM_000497.4 (MANE Select); coding-DNA position 1111, G replaced by A.
Protein change: p.Glu371Lys; replaces glutamic acid 371 with lysine.
Molecular consequence: missense variant.
Genome position (GRCh38, 1-based): chr8:142,875,722, C>T on the plus strand (G>A on the coding strand, the complement: CYP11B1 is on the minus strand). VCF-style: chr8-142875722-C-T. GRCh37 (hg19) VCF-style: chr8-143957138-C-T.
Other names: c.1111G>A, p.Glu371Lys (NM_001026213.1); short protein forms E371K.
Identifiers: ClinVar variation 3251891 (VCV003251891.2), dbSNP rs2488676492.

ClinVar aggregate classification (germline): Likely pathogenic. Review status: criteria provided, multiple submitters, no conflicts (2 of 4 stars). 2 submissions from 2 submitters: Likely pathogenic (2). Last evaluated 2024-05-08.

Conditions:
Congenital adrenal hyperplasia. Identifiers: Orphanet 418, MedGen C0001627, MONDO:0018479, HP:0008258.
Deficiency of steroid 11-beta-monooxygenase (CYP11B1). Also called: 11-BETA-HYDROXYLASE DEFICIENCY; P450C11B1 DEFICIENCY; STEROID 11-BETA-HYDROXYLASE DEFICIENCY; Congenital adrenal hyperplasia due to 11-beta-hydroxylase deficiency; ADRENAL HYPERPLASIA, CONGENITAL, DUE TO STEROID 11-BETA-HYDROXYLASE DEFICIENCY; ADRENAL HYPERPLASIA IV. Identifiers: Orphanet 90795, MedGen C0268292, MONDO:0008729, OMIM 202010. Disease mechanism: loss of function.
Glucocorticoid-remediable aldosteronism. Also called: Hyperaldosteronism, familial, type I; ACTH-DEPENDENT HYPERALDOSTERONISM SYNDROME; ALDOSTERONISM, SENSITIVE TO DEXAMETHASONE; FH I; GLUCOCORTICOID-SUPPRESSIBLE HYPERALDOSTERONISM. Identifiers: Orphanet 403, MedGen C3838731, MONDO:0007080, OMIM 103900.

Submissions (2):

Fulgent Genetics
Classification: Likely pathogenic for Glucocorticoid-remediable aldosteronism; Deficiency of steroid 11-beta-monooxygenase. Last evaluated: 2024-05-08. Review status: criteria provided, single submitter. Criteria: ACMG Guidelines, 2015. Collection method: clinical testing. Allele origin: germline.

Women's Health and Genetics/Laboratory Corporation of America, LabCorp
Classification: Likely pathogenic for Congenital adrenal hyperplasia. Last evaluated: 2024-04-30. Review status: criteria provided, single submitter. Criteria: LabCorp Variant Classification Summary - May 2015. Collection method: clinical testing. Allele origin: germline.
Comment: Variant summary: CYP11B1 c.1111G>A (p.Glu371Lys) results in a conservative amino acid change in the encoded protein sequence. Four of five in-silico tools predict a damaging effect of the variant on protein function. The variant was absent in 249438 control chromosomes. c.1111G>A has been reported in the literature in individuals affected with 11B -hydroxylase deficiency (Sun_2023). These data do not allow any conclusion about variant significance. At least one publication reports experimental evidence evaluating an impact on protein function. The most pronounced variant effect results in negligible enzyme activity when compared to wildtype (Sun_2023). The following publication have been ascertained in the context of this evaluation (PMID: 36929050). No submitters have cited clinical-significance assessments for this variant to ClinVar. Based on the evidence outlined above, the variant was classified as likely pathogenic.

Literature cited by the submitters: PubMed 36929050 (cited by Women's Health and Genetics/Laboratory Corporation of America, LabCorp).